The following is an entry in ClinVar:

ClinVar aggregate classification (germline): Uncertain significance (1 of 4 stars; one submission).

Conditions:
Hyper-IgE recurrent infection syndrome 1, autosomal dominant. Also called: STAT3 Hyper IgE Syndrome; Hyper-IgE recurrent infection syndrome 1; JOB SYNDROME; Job's Syndrome; HYPER-IgE SYNDROME 1, AUTOSOMAL DOMINANT, WITH RECURRENT INFECTIONS. Identifiers: Orphanet 2314, MedGen C2936739, MONDO:0007818, OMIM 147060.
STAT3 gain of function. Identifiers: MedGen C4288261.

Submission:

Labcorp Genetics (formerly Invitae), Labcorp
Classification: Uncertain significance for STAT3 gain of function; Hyper-IgE recurrent infection syndrome 1, autosomal dominant. Last evaluated: 2024-05-26. Review status: criteria provided, single submitter. Criteria: Invitae Variant Classification Sherloc (09022015). Collection method: clinical testing. Allele origin: germline.
Comment: This sequence change creates a premature translational stop signal (p.Trp623*) in the STAT3 gene. It is expected to result in an absent or disrupted protein product. However, the current clinical and genetic evidence is not sufficient to establish whether loss-of-function variants in STAT3 cause disease. This variant is not present in population databases (gnomAD no frequency). This variant has not been reported in the literature in individuals affected with STAT3-related conditions. In summary, the available evidence is currently insufficient to determine the role of this variant in disease. Therefore, it has been classified as a Variant of Uncertain Significance.

NM_139276.3(STAT3):c.1869G>A (p.Trp623Ter)

Gene: STAT3 (signal transducer and activator of transcription 3; minus strand). Cytogenetic location: 17q21.2.
Variant type: single nucleotide variant.
Coding change: c.1869G>A on transcript NM_139276.3 (MANE Select); coding-DNA position 1869, G replaced by A.
Protein change: p.Trp623Ter; replaces tryptophan 623 with a stop codon.
Molecular consequence: nonsense.
Genome position (GRCh38, 1-based): chr17:42,323,023, C>T on the plus strand (G>A on the coding strand, the complement: STAT3 is on the minus strand). VCF-style: chr17-42323023-C-T. GRCh37 (hg19) VCF-style: chr17-40475041-C-T.
Other names: c.1869G>A, p.Trp623Ter (NM_001369512.1, NM_001369513.1, NM_001369514.1 and 9 more transcripts); c.1884G>A, p.Trp628Ter (NM_001384990.1, NM_001384986.1); c.1842G>A, p.Trp614Ter (NM_001384991.1); c.1809G>A, p.Trp603Ter (NM_001384992.1); c.1785G>A, p.Trp595Ter (NM_001384984.1); c.1791G>A, p.Trp597Ter (NM_001384985.1); c.1848G>A, p.Trp616Ter (NM_001384987.1); c.1773G>A, p.Trp591Ter (NM_001384989.1); short protein forms W591*, W595*, W597*, W603*, W614*, W616*, W623*, W628*.
Identifiers: ClinVar variation 3756555 (VCV003756555.2).